The following is an entry in ClinVar:

ClinVar aggregate classification (germline): Uncertain significance (1 of 4 stars; one submission).

Allele frequency attached by ClinVar (database versions not stated): gnomAD exomes below 0.00001; ExAC 0.00001.
gnomAD v4.1: 1 of 1,614,154 alleles (0.000062%); highest among the groups gnomAD compares: East Asian, 0.0022%; no homozygotes.

Submission:

Ambry Genetics
Classification: Uncertain significance. Last evaluated: 2022-09-18. Review status: criteria provided, single submitter. Criteria: Ambry Variant Classification Scheme 2023. Collection method: clinical testing. Allele origin: germline.
Comment: The p.P1614L variant (also known as c.4841C>T), located in coding exon 4 of the ALPK2 gene, results from a C to T substitution at nucleotide position 4841. The proline at codon 1614 is replaced by leucine, an amino acid with similar properties. This amino acid position is conserved. In addition, this alteration is predicted to be tolerated by in silico analysis. Since supporting evidence is limited at this time, the clinical significance of this alteration remains unclear.

NM_052947.4(ALPK2):c.4841C>T (p.Pro1614Leu)

Genes: ALPK2 (alpha kinase 2; minus strand), LOC126862764 (BRD4-independent group 4 enhancer GRCh37_chr18:56202574-56203773; plus strand), LOC130062578 (ATAC-STARR-seq lymphoblastoid active region 13390; plus strand). Cytogenetic location: 18q21.31.
Variant type: single nucleotide variant.
Coding change: c.4841C>T on transcript NM_052947.4 (MANE Select); coding-DNA position 4841, C replaced by T.
Protein change: p.Pro1614Leu; replaces proline 1614 with leucine.
Molecular consequence: missense variant.
Genome position (GRCh38, 1-based): chr18:58,535,346, G>A on the plus strand (C>T on the coding strand, the complement: ALPK2 is on the minus strand). VCF-style: chr18-58535346-G-A. GRCh37 (hg19) VCF-style: chr18-56202578-G-A.
Other names: short protein forms P1614L.
Identifiers: ClinVar variation 1743510 (VCV001743510.2), dbSNP rs762488082, ClinGen allele CA8976627.